The following is an entry in ClinVar:

ClinVar aggregate classification (germline): Uncertain significance (1 of 4 stars; one submission).

Conditions:
Fanconi anemia (FA). Also called: Fanconi's anemia. Identifiers: Orphanet 84, MedGen C0015625, MeSH D005199, MONDO:0019391.

Allele frequency attached by ClinVar (database versions not stated): TOPMed below 0.00001; ExAC 0.00002.
gnomAD v4.1: 5 of 1,614,014 alleles (0.00031%); highest among the groups gnomAD compares: East Asian, 0.0022%; no homozygotes.

Submission:

Sema4
Classification: Uncertain significance for Fanconi anemia. Last evaluated: 2021-04-20. Review status: criteria provided, single submitter. Criteria: Sema4 Curation Guidelines. Collection method: curation. Allele origin: germline.
Comment: The FANCI c.2170-7C>G variant has not been reported in the literature to our knowledge. It was not observed in the large and broad cohorts of the Genome Aggregation Database (PMID: 32461654). The variant has not been reported in ClinVar. In silico tools suggest that the variant may impact splicing, though these predictions have not been confirmed by functional studies. The evidence is insufficient to meet ACMG/AMP criteria for classifying the variant as benign or pathogenic. Thus, the clinical significance of this variant is currently uncertain.

NM_001113378.2(FANCI):c.2170-7C>G

Gene: FANCI (FA complementation group I; plus strand). Cytogenetic location: 15q26.1.
Variant type: single nucleotide variant.
Coding change: c.2170-7C>G on transcript NM_001113378.2 (MANE Select); 7 bases into the intron before coding-DNA position 2170, C replaced by G.
Molecular consequence: intron variant.
Genome position (GRCh38, 1-based): chr15:89,292,935, C>G. VCF-style: chr15-89292935-C-G. GRCh37 (hg19) VCF-style: chr15-89836166-C-G.
Other names: c.2170-7C>G (NM_018193.3, NM_001376911.1); c.1891-7C>G (NM_001376910.1).
Identifiers: ClinVar variation 1692557 (VCV001692557.1), dbSNP rs759281018, ClinGen allele CA7723303.